The following is an entry in ClinVar:

NM_057175.5(NAA15):c.1539+98A>C

Gene: NAA15 (N-alpha-acetyltransferase 15, NatA auxiliary subunit; plus strand). Cytogenetic location: 4q31.1.
Variant type: single nucleotide variant.
Coding change: c.1539+98A>C on transcript NM_057175.5 (MANE Select); 98 bases into the intron after coding-DNA position 1539, A replaced by C.
Molecular consequence: intron variant.
Genome position (GRCh38, 1-based): chr4:139,360,726, A>C. VCF-style: chr4-139360726-A-C. GRCh37 (hg19) VCF-style: chr4-140281880-A-C.
Other names: c.1539+98A>C (NM_001410842.1).
Identifiers: ClinVar variation 3775497 (VCV003775497.1).

ClinVar aggregate classification (germline): Uncertain significance (1 of 4 stars; one submission).

Conditions:
Intellectual developmental disorder, autosomal dominant 50, with behavioral abnormalities. Also called: MENTAL RETARDATION, AUTOSOMAL DOMINANT 50; Intellectual disability, autosomal dominant 50. Identifiers: MedGen C4540470, MONDO:0030916, OMIM 617787.

Submission:

3billion
Classification: Uncertain significance for Intellectual developmental disorder, autosomal dominant 50, with behavioral abnormalities. Last evaluated: 2023-12-01. Review status: criteria provided, single submitter. Criteria: ACMG Guidelines, 2015. Collection method: clinical testing. Allele origin: germline. Affected: yes.
Comment: The variant is not observed in the gnomAD v2.1.1 dataset. Predicted Consequence/Location: Intron variant In silico tools predict the variant to alter splicing and produce an abnormal transcript [SpliceAI: 0.33 (>=0.2, moderate evidence for spliceogenicity)]. Therefore, this variant is classified as VUS according to the recommendation of ACMG/AMP guideline.